The following is an entry in ClinVar:

NM_000043.6(FAS):c.161A>G (p.His54Arg)

Gene: FAS (Fas cell surface death receptor; plus strand). Cytogenetic location: 10q23.31.
Variant type: single nucleotide variant.
Coding change: c.161A>G on transcript NM_000043.6 (MANE Select); coding-DNA position 161, A replaced by G.
Protein change: p.His54Arg; replaces histidine 54 with arginine.
Molecular consequence: missense variant. On other transcripts: non-coding transcript variant (7).
Genome position (GRCh38, 1-based): chr10:89,003,159, A>G. VCF-style: chr10-89003159-A-G. GRCh37 (hg19) VCF-style: chr10-90762916-A-G.
Other names: c.161A>G, p.His54Arg (NM_001320619.2, NM_152871.4, NM_152872.4); short protein forms H54R.
Identifiers: ClinVar variation 857680 (VCV000857680.8), dbSNP rs759152311, ClinGen allele CA5593040.

ClinVar aggregate classification (germline): Uncertain significance (1 of 4 stars; one submission).

Conditions:
Autoimmune lymphoproliferative syndrome type 1. Also called: AUTOIMMUNE LYMPHOPROLIFERATIVE SYNDROME, TYPE I, AUTOSOMAL DOMINANT. Identifiers: Orphanet 3261, MedGen C2717884, MONDO:0011158, OMIM 601859.

Allele frequency attached by ClinVar (database versions not stated): gnomAD exomes below 0.00001; ExAC 0.00001.
gnomAD v4.1: 4 of 1,614,188 alleles (0.00025%); highest among the groups gnomAD compares: South Asian, 0.0022%; no homozygotes.

Submission:

Labcorp Genetics (formerly Invitae), Labcorp
Classification: Uncertain significance for Autoimmune lymphoproliferative syndrome. Last evaluated: 2019-12-26. Review status: criteria provided, single submitter. Criteria: Invitae Variant Classification Sherloc (09022015). Collection method: clinical testing. Allele origin: germline.
Comment: In summary, the available evidence is currently insufficient to determine the role of this variant in disease. Therefore, it has been classified as a Variant of Uncertain Significance. Advanced modeling of protein sequence and biophysical properties (such as structural, functional, and spatial information, amino acid conservation, physicochemical variation, residue mobility, and thermodynamic stability) performed at Invitae indicates that this missense variant is not expected to disrupt FAS protein function. This variant has not been reported in the literature in individuals with FAS-related conditions. This variant is present in population databases (rs759152311, ExAC 0.006%). This sequence change replaces histidine with arginine at codon 54 of the FAS protein (p.His54Arg). The histidine residue is weakly conserved and there is a small physicochemical difference between histidine and arginine.